The following is an entry in ClinVar:

NM_000051.4(ATM):c.7308-8T>C

Genes: C11orf65 (chromosome 11 open reading frame 65; minus strand), ATM (ATM serine/threonine kinase; plus strand). Cytogenetic location: 11q22.3.
Variant type: single nucleotide variant.
Coding change: c.7308-8T>C on transcript NM_000051.4 (MANE Select); 8 bases into the intron before coding-DNA position 7308, T replaced by C.
Molecular consequence: intron variant.
Genome position (GRCh38, 1-based): chr11:108,330,206, T>C. VCF-style: chr11-108330206-T-C. GRCh37 (hg19) VCF-style: chr11-108200933-T-C.
Other names: c.7308-8T>C (NM_001351834.2); c.641-21135A>G (NM_001330368.2); c.*38+5014A>G (NM_001351110.2).
Identifiers: ClinVar variation 490696 (VCV000490696.13), dbSNP rs1555122924, ClinGen allele CA658683748.

ClinVar aggregate classification (germline): Likely benign. Review status: criteria provided, multiple submitters, no conflicts (2 of 4 stars). 3 submissions from 3 submitters: Likely benign (3). Last evaluated 2024-06-13.

Conditions:
Hereditary cancer-predisposing syndrome. Also called: Hereditary Cancer Syndrome; Neoplastic Syndromes, Hereditary; Tumor predisposition; Hereditary neoplastic syndrome. Identifiers: Orphanet 140162, MedGen C0027672, MeSH D009386, MONDO:0015356.
Familial cancer of breast. Also called: BREAST CANCER, FAMILIAL; Hereditary breast cancer; hereditary breast carcinoma. Identifiers: Orphanet 227535, MedGen C0346153, MONDO:0016419, OMIM 114480. Disease mechanism: loss of function.
Ataxia-telangiectasia syndrome (AT). Also called: Cerebello-oculocutaneous telangiectasia; Immunodeficiency with ataxia telangiectasia; Ataxia-telangiectasia, complementation group E; Ataxia-telangiectasia, complementation group D; AT, COMPLEMENTATION GROUP C; ATAXIA-TELANGIECTASIA, COMPLEMENTATION GROUP A. Identifiers: Orphanet 100, MedGen C0004135, MONDO:0008840, OMIM 208900.

Allele frequency attached by ClinVar (database versions not stated): gnomAD exomes below 0.00001.
gnomAD v4.1: 2 of 1,612,648 alleles (0.00012%); highest among the groups gnomAD compares: Non-Finnish European, 0.00017%; no homozygotes.

Submissions (3):

Myriad Genetics, Inc.
Classification: Likely benign for Familial cancer of breast. Last evaluated: 2024-06-13. Review status: criteria provided, single submitter. Criteria: Myriad Autosomal Dominant, Autosomal Recessive and X-Linked Classification Criteria (2023). Collection method: clinical testing. Allele origin: unknown.
Comment: This variant is considered likely benign. This variant is intronic and is not expected to impact mRNA splicing.

Labcorp Genetics (formerly Invitae), Labcorp
Classification: Likely benign for Ataxia-telangiectasia syndrome. Last evaluated: 2019-10-09. Review status: criteria provided, single submitter. Criteria: Invitae Variant Classification Sherloc (09022015). Collection method: clinical testing. Allele origin: germline.

Color Diagnostics, LLC DBA Color Health
Classification: Likely benign for Hereditary cancer-predisposing syndrome. Last evaluated: 2017-03-23. Review status: criteria provided, single submitter. Criteria: ACMG Guidelines, 2015. Collection method: clinical testing. Allele origin: germline.